The following is an entry in ClinVar:

NM_000268.4(NF2):c.293C>T (p.Ala98Val)

Gene: NF2 (NF2, moesin-ezrin-radixin like (MERLIN) tumor suppressor; plus strand). Cytogenetic location: 22q12.2.
Variant type: single nucleotide variant.
Coding change: c.293C>T on transcript NM_000268.4 (MANE Select); coding-DNA position 293, C replaced by T.
Protein change: p.Ala98Val; replaces alanine 98 with valine.
Molecular consequence: missense variant. On other transcripts: 5 prime UTR variant (1), intron variant (8).
Genome position (GRCh38, 1-based): chr22:29,639,142, C>T. VCF-style: chr22-29639142-C-T. GRCh37 (hg19) VCF-style: chr22-30035131-C-T.
Other names: c.179C>T, p.Ala60Val (NM_001407053.1, NM_001407056.1); c.167C>T, p.Ala56Val (NM_001407055.1, NM_181828.3); c.293C>T, p.Ala98Val (NM_001407057.1, NM_001407059.1, NM_001407060.1 and 5 more transcripts); c.-348C>T (NM_001407065.1); c.62C>T, p.Ala21Val (NM_001407067.1); c.240+2266C>T (NM_001407058.1, NM_181829.3, NM_001407054.1 and 1 more transcripts); c.115-3060C>T (NM_001407063.1, NM_181830.3, NM_001407064.1 and 1 more transcripts); short protein forms A56V, A60V, A21V, A98V.
Identifiers: ClinVar variation 3404986 (VCV003404986.2).

ClinVar aggregate classification (germline): Uncertain significance. Review status: criteria provided, multiple submitters, no conflicts (2 of 4 stars). 2 submissions from 2 submitters: Uncertain significance (2). Last evaluated 2025-06-30.

Conditions:
Hereditary cancer-predisposing syndrome. Also called: Tumor predisposition; Hereditary Cancer Syndrome; Hereditary neoplastic syndrome; Neoplastic Syndromes, Hereditary. Identifiers: Orphanet 140162, MedGen C0027672, MeSH D009386, MONDO:0015356.
Neurofibromatosis, type 2 (SWNV). Also called: NF2-Related Schwannomatosis; BILATERAL ACOUSTIC NEUROFIBROMATOSIS; SCHWANNOMATOSIS, VESTIBULAR. Identifiers: Orphanet 637, MedGen C0027832, MONDO:0007039, OMIM 101000. Disease mechanism: loss of function.

gnomAD v4.1: 4 of 1,614,152 alleles (0.00025%); highest among the groups gnomAD compares: South Asian, 0.0044%; no homozygotes.

Submissions (2):

Labcorp Genetics (formerly Invitae), Labcorp
Classification: Uncertain significance for Neurofibromatosis, type 2. Last evaluated: 2025-06-30. Review status: criteria provided, single submitter. Criteria: Invitae Variant Classification Sherloc (09022015). Collection method: clinical testing. Allele origin: germline.
Comment: This sequence change replaces alanine, which is neutral and non-polar, with valine, which is neutral and non-polar, at codon 98 of the NF2 protein (p.Ala98Val). This variant is present in population databases (no rsID available, gnomAD 0.003%). This variant has not been reported in the literature in individuals affected with NF2-related conditions. ClinVar contains an entry for this variant (Variation ID: 3404986). Invitae Evidence Modeling of protein sequence and biophysical properties (such as structural, functional, and spatial information, amino acid conservation, physicochemical variation, residue mobility, and thermodynamic stability) indicates that this missense variant is not expected to disrupt NF2 protein function with a negative predictive value of 80%. In summary, the available evidence is currently insufficient to determine the role of this variant in disease. Therefore, it has been classified as a Variant of Uncertain Significance.

Ambry Genetics
Classification: Uncertain significance for Hereditary cancer-predisposing syndrome. Last evaluated: 2024-08-05. Review status: criteria provided, single submitter. Criteria: Ambry Variant Classification Scheme 2023. Collection method: clinical testing. Allele origin: germline.
Comment: The p.A98V variant (also known as c.293C>T), located in coding exon 3 of the NF2 gene, results from a C to T substitution at nucleotide position 293. The alanine at codon 98 is replaced by valine, an amino acid with similar properties. This amino acid position is conserved. In addition, the in silico prediction for this alteration is inconclusive. Based on the available evidence, the clinical significance of this variant remains unclear.